The following is an entry in ClinVar:

NM_198428.3(BBS9):c.1377C>T (p.Val459=)

Gene: BBS9 (Bardet-Biedl syndrome 9; plus strand). Cytogenetic location: 7p14.3.
Variant type: single nucleotide variant.
Coding change: c.1377C>T on transcript NM_198428.3 (MANE Select); coding-DNA position 1377, C replaced by T.
Protein change: p.Val459=; no amino-acid change (valine 459 retained).
Molecular consequence: synonymous variant. On other transcripts: non-coding transcript variant (3).
Genome position (GRCh38, 1-based): chr7:33,349,115, C>T. VCF-style: chr7-33349115-C-T. GRCh37 (hg19) VCF-style: chr7-33388727-C-T.
Other names: c.1242C>T, p.Val414= (NM_001348042.3); c.1377C>T, p.Val459= (NM_001348043.3, NM_001362679.1, NM_014451.4 and 5 more transcripts); c.1011C>T, p.Val337= (NM_001348044.3, NM_001348045.3, NM_001348046.3 and 1 more transcripts); c.1104C>T, p.Val368= (NM_001348038.3, NM_001348039.3); c.1377C>T (NM_198428.2).
Identifiers: ClinVar variation 1534205 (VCV001534205.12), dbSNP rs763552337, ClinGen allele CA4214294.

ClinVar aggregate classification (germline): Likely benign. Review status: criteria provided, multiple submitters, no conflicts (2 of 4 stars). 4 submissions from 4 submitters: Likely benign (3). 1 of the submissions does not count toward it. Last evaluated 2025-11-10.

Conditions:
Bardet-Biedl syndrome (BBS). Identifiers: Orphanet 110, MedGen C0752166, MONDO:0015229.
Bardet-Biedl syndrome 9 (BBS9). Identifiers: Orphanet 110, MedGen C1859567, MONDO:0014437, OMIM 615986.
BBS9-related disorder. Also called: BBS9-related condition.

Allele frequency attached by ClinVar (database versions not stated): gnomAD exomes below 0.00001 and 0.00001; ExAC 0.00001; gnomAD 0.00002 and 0.00003; TOPMed 0.00002.
gnomAD v4.1: 16 of 1,613,340 alleles (0.00099%); highest among the groups gnomAD compares: African/African-American, 0.0013%; no homozygotes.

Submissions (4):

Labcorp Genetics (formerly Invitae), Labcorp
Classification: Likely benign for Bardet-Biedl syndrome. Last evaluated: 2025-11-10. Review status: criteria provided, single submitter. Criteria: Invitae Variant Classification Sherloc (09022015). Collection method: clinical testing. Allele origin: germline.

Blueprint Genetics
Classification: Likely benign. Last evaluated: 2024-01-30. Review status: criteria provided, single submitter. Criteria: ACMG Guidelines, 2015. Collection method: clinical testing. Allele origin: germline.

Fulgent Genetics
Classification: Likely benign for Bardet-Biedl syndrome 9. Last evaluated: 2022-03-14. Review status: criteria provided, single submitter. Criteria: ACMG Guidelines, 2015. Collection method: clinical testing. Allele origin: unknown.

PreventionGenetics, part of Exact Sciences
Classification: Likely benign for BBS9-related condition. Last evaluated: 2023-12-29. Review status: no assertion criteria provided. Collection method: clinical testing. Allele origin: germline. Not counted in ClinVar's aggregate classification.
Comment: This variant is classified as likely benign based on ACMG/AMP sequence variant interpretation guidelines (Richards et al. 2015 PMID: 25741868, with internal and published modifications).